The following is an entry in ClinVar:

NM_022464.5(SIL1):c.773C>T (p.Pro258Leu)

Gene: SIL1 (SIL1 nucleotide exchange factor; minus strand). Cytogenetic location: 5q31.2.
Variant type: single nucleotide variant.
Coding change: c.773C>T on transcript NM_022464.5 (MANE Select); coding-DNA position 773, C replaced by T.
Protein change: p.Pro258Leu; replaces proline 258 with leucine.
Molecular consequence: missense variant.
Genome position (GRCh38, 1-based): chr5:138,951,879, G>A on the plus strand (C>T on the coding strand, the complement: SIL1 is on the minus strand). VCF-style: chr5-138951879-G-A. GRCh37 (hg19) VCF-style: chr5-138287568-G-A.
Other names: c.773C>T (NM_022464.4); c.773C>T, p.Pro258Leu (NM_001037633.2); short protein forms P258L.
Identifiers: ClinVar variation 2198273 (VCV002198273.2), dbSNP rs1766787964, ClinGen allele CA361137966.
Genomic context (GRCh38, chr5:138,951,879, plus strand): 5'-GCCAGGATGACCAGCAGCTTCTGCAGGGCTCCCCCTTCGATGGCCTCCACCTGGACCTTG[G>A]GGTTGCTGGGGAAGAAGCACAGGACAGCATGACTACCCTGCCCAGCCCAGGGATCGGATG-3'
Protein context (NP_071909.1, residues 248-268): FVLGAAFSSN[Pro258Leu]KVQVEAIEGG

ClinVar aggregate classification (germline): Uncertain significance. Review status: criteria provided, multiple submitters, no conflicts (2 of 4 stars). 2 submissions from 2 submitters: Uncertain significance (2). Last evaluated 2024-06-13.

Conditions:
Marinesco-Sjögren syndrome (MSS). Also called: Marinesco-Sjogren Syndrome; Marinesco-SjÃ¶gren syndrome. Identifiers: Orphanet 559, MedGen C0024814, MONDO:0009567, OMIM 248800.
Inborn genetic diseases. Identifiers: MedGen C0950123, MeSH D030342.

Allele frequency attached by ClinVar (database versions not stated): gnomAD exomes below 0.00001; TOPMed below 0.00001.
gnomAD v4.1: 3 of 1,613,616 alleles (0.00019%); highest among the groups gnomAD compares: Non-Finnish European, 0.00017%; no homozygotes.

Submissions (2):

Ambry Genetics
Classification: Uncertain significance for Inborn genetic diseases. Last evaluated: 2024-06-13. Review status: criteria provided, single submitter. Criteria: Ambry Variant Classification Scheme 2023. Collection method: clinical testing. Allele origin: germline.

Labcorp Genetics (formerly Invitae), Labcorp
Classification: Uncertain significance for Marinesco-Sjögren syndrome. Last evaluated: 2022-08-11. Review status: criteria provided, single submitter. Criteria: Invitae Variant Classification Sherloc (09022015). Collection method: clinical testing. Allele origin: germline.
Comment: This sequence change replaces proline, which is neutral and non-polar, with leucine, which is neutral and non-polar, at codon 258 of the SIL1 protein (p.Pro258Leu). This variant is not present in population databases (gnomAD no frequency). This variant has not been reported in the literature in individuals affected with SIL1-related conditions. Algorithms developed to predict the effect of missense changes on protein structure and function are either unavailable or do not agree on the potential impact of this missense change (SIFT: "Tolerated"; PolyPhen-2: "Probably Damaging"; Align-GVGD: "Class C0"). In summary, the available evidence is currently insufficient to determine the role of this variant in disease. Therefore, it has been classified as a Variant of Uncertain Significance.